The following is an entry in ClinVar:

NM_001037333.3(CYFIP2):c.3658A>G (p.Ile1220Val)

Genes: CYFIP2 (cytoplasmic FMR1 interacting protein 2; plus strand), NIPAL4-DT (NIPAL4 divergent transcript; minus strand). Cytogenetic location: 5q33.3.
Variant type: single nucleotide variant.
Coding change: c.3658A>G on transcript NM_001037333.3 (MANE Select); coding-DNA position 3658, A replaced by G.
Protein change: p.Ile1220Val; replaces isoleucine 1220 with valine.
Molecular consequence: missense variant.
Genome position (GRCh38, 1-based): chr5:157,392,896, A>G. VCF-style: chr5-157392896-A-G. GRCh37 (hg19) VCF-style: chr5-156819904-A-G.
Other names: c.3580A>G, p.Ile1194Val (NM_001291721.2); c.3733A>G, p.Ile1245Val (NM_001291722.2); c.3658A>G, p.Ile1220Val (NM_014376.4); c.3733A>G (NM_001291722.1); short protein forms I1245V, I1220V, I1194V.
Identifiers: ClinVar variation 1494398 (VCV001494398.9), dbSNP rs2113571623, ClinGen allele CA361983620.

ClinVar aggregate classification (germline): Uncertain significance. Review status: criteria provided, multiple submitters, no conflicts (2 of 4 stars). 2 submissions from 2 submitters: Uncertain significance (2). Last evaluated 2024-12-13.

Conditions:
CYFIP2-related disorder. Also called: CYFIP2-related condition.

gnomAD v4.1: 3 of 1,613,982 alleles (0.00019%); highest among the groups gnomAD compares: Non-Finnish European, 0.00025%; no homozygotes.

Submissions (2):

PreventionGenetics, part of Exact Sciences
Classification: Uncertain significance for CYFIP2-related condition. Last evaluated: 2024-12-13. Review status: criteria provided, single submitter. Criteria: ACMG Guidelines, 2015. Collection method: clinical testing. Allele origin: germline.
Comment: The CYFIP2 c.3733A>G variant is predicted to result in the amino acid substitution p.Ile1245Val. To our knowledge, this variant has not been reported in the literature or in a large population database (gnomAD), indicating this variant is rare. At this time, the clinical significance of this variant is uncertain due to the absence of conclusive functional and genetic evidence.

Labcorp Genetics (formerly Invitae), Labcorp
Classification: Uncertain significance. Last evaluated: 2021-07-18. Review status: criteria provided, single submitter. Criteria: Invitae Variant Classification Sherloc (09022015). Collection method: clinical testing. Allele origin: germline.
Comment: In summary, the available evidence is currently insufficient to determine the role of this variant in disease. Therefore, it has been classified as a Variant of Uncertain Significance. Algorithms developed to predict the effect of missense changes on protein structure and function are either unavailable or do not agree on the potential impact of this missense change (SIFT: "Tolerated"; PolyPhen-2: "Not Available"; Align-GVGD: "Class C0"). This variant has not been reported in the literature in individuals with CYFIP2-related conditions. This variant is not present in population databases (ExAC no frequency). This sequence change replaces isoleucine with valine at codon 1220 of the CYFIP2 protein (p.Ile1220Val). The isoleucine residue is highly conserved and there is a small physicochemical difference between isoleucine and valine.